The following is an entry in ClinVar:

NM_012338.4(TSPAN12):c.311T>G (p.Phe104Cys)

Gene: TSPAN12 (tetraspanin 12; minus strand). Cytogenetic location: 7q31.31.
Variant type: single nucleotide variant.
Coding change: c.311T>G on transcript NM_012338.4 (MANE Select); coding-DNA position 311, T replaced by G.
Protein change: p.Phe104Cys; replaces phenylalanine 104 with cysteine.
Molecular consequence: missense variant.
Genome position (GRCh38, 1-based): chr7:120,815,778, A>C on the plus strand (T>G on the coding strand, the complement: TSPAN12 is on the minus strand). VCF-style: chr7-120815778-A-C. GRCh37 (hg19) VCF-style: chr7-120455832-A-C.
Other names: short protein forms F104C.
Identifiers: ClinVar variation 849106 (VCV000849106.12), dbSNP rs758565852, ClinGen allele CA4453947.
Genomic context (GRCh38, chr7:120,815,778, plus strand): 5'-TTTGAACTCACCATAAGTTCCTGTTCATATGTCCAAACGCCACAAGCCAGTTCTACACAG[A>C]AAATGACAAGCAAACTTCCAAAGTACTGTAGAAAAACAGAAAAGTATGCTGTTATAGTAT-3'
Protein context (NP_036470.1, residues 94-114): AWYFGSLLVI[Phe104Cys]CVELACGVWT

ClinVar aggregate classification (germline): Uncertain significance. Review status: criteria provided, multiple submitters, no conflicts (2 of 4 stars). 2 submissions from 2 submitters: Uncertain significance (2). Last evaluated 2025-06-25.

Conditions:
Inborn genetic diseases. Identifiers: MedGen C0950123, MeSH D030342.

Allele frequency attached by ClinVar (database versions not stated): gnomAD exomes 0.00001 and 0.00002; ExAC 0.00004; gnomAD 0.00005 and 0.00006; TOPMed 0.00007.
gnomAD v4.1: 17 of 1,613,010 alleles (0.0011%); highest among the groups gnomAD compares: African/African-American, 0.021%; no homozygotes.

Submissions (2):

Labcorp Genetics (formerly Invitae), Labcorp
Classification: Uncertain significance. Last evaluated: 2025-06-25. Review status: criteria provided, single submitter. Criteria: Invitae Variant Classification Sherloc (09022015). Collection method: clinical testing. Allele origin: germline.
Comment: This sequence change replaces phenylalanine, which is neutral and non-polar, with cysteine, which is neutral and slightly polar, at codon 104 of the TSPAN12 protein (p.Phe104Cys). This variant is present in population databases (rs758565852, gnomAD 0.03%). This variant has not been reported in the literature in individuals affected with TSPAN12-related conditions. ClinVar contains an entry for this variant (Variation ID: 849106). Invitae Evidence Modeling of protein sequence and biophysical properties (such as structural, functional, and spatial information, amino acid conservation, physicochemical variation, residue mobility, and thermodynamic stability) indicates that this missense variant is not expected to disrupt TSPAN12 protein function with a negative predictive value of 80%. In summary, the available evidence is currently insufficient to determine the role of this variant in disease. Therefore, it has been classified as a Variant of Uncertain Significance.

Ambry Genetics
Classification: Uncertain significance for Inborn genetic diseases. Last evaluated: 2024-09-03. Review status: criteria provided, single submitter. Criteria: Ambry Variant Classification Scheme 2023. Collection method: clinical testing. Allele origin: germline.